The following is an entry in ClinVar:

ClinVar aggregate classification (germline): Uncertain significance. Review status: criteria provided, multiple submitters, no conflicts (2 of 4 stars). 3 submissions from 3 submitters: Uncertain significance (3). Last evaluated 2025-10-08.

Conditions:
Inborn genetic diseases. Identifiers: MedGen C0950123, MeSH D030342.

Allele frequency attached by ClinVar (database versions not stated): TOPMed 0.00007; ESP Exome Variant Server 0.00008; gnomAD 0.00005; ExAC 0.00005.
gnomAD v4.1: 39 of 1,614,024 alleles (0.0024%); highest among the groups gnomAD compares: Admixed American, 0.013%; no homozygotes.

Submissions (3):

Dasa
Classification: Uncertain significance. Last evaluated: 2025-10-08. Review status: criteria provided, single submitter. Criteria: DASA Assertion Criteria. Collection method: clinical testing. Allele origin: germline.
Comment: NM_025144.4(ALPK1):c.2153G>A (p.Arg718His) is a missense variant that results in the substitution of arginine with histidine. This variant is rare in population databases. Computational prediction algorithms are consistent with a benign effect. The currently available literature and clinical evidence are not sufficient to establish a definitive association between this variant and the reported condition. Therefore, this variant is classified as a variant of uncertain significance.

Labcorp Genetics (formerly Invitae), Labcorp
Classification: Uncertain significance. Last evaluated: 2025-01-29. Review status: criteria provided, single submitter. Criteria: Invitae Variant Classification Sherloc (09022015). Collection method: clinical testing. Allele origin: germline.
Comment: This sequence change replaces arginine, which is basic and polar, with histidine, which is basic and polar, at codon 718 of the ALPK1 protein (p.Arg718His). This variant is present in population databases (rs143368967, gnomAD 0.01%). This variant has not been reported in the literature in individuals affected with ALPK1-related conditions. ClinVar contains an entry for this variant (Variation ID: 2193840). Invitae Evidence Modeling of protein sequence and biophysical properties (such as structural, functional, and spatial information, amino acid conservation, physicochemical variation, residue mobility, and thermodynamic stability) indicates that this missense variant is not expected to disrupt ALPK1 protein function with a negative predictive value of 80%. In summary, the available evidence is currently insufficient to determine the role of this variant in disease. Therefore, it has been classified as a Variant of Uncertain Significance.

Ambry Genetics
Classification: Uncertain significance for Inborn genetic diseases. Last evaluated: 2023-11-03. Review status: criteria provided, single submitter. Criteria: Ambry Variant Classification Scheme 2023. Collection method: clinical testing. Allele origin: germline.

NM_025144.4(ALPK1):c.2153G>A (p.Arg718His)

Gene: ALPK1 (alpha kinase 1; plus strand). Cytogenetic location: 4q25.
Variant type: single nucleotide variant.
Coding change: c.2153G>A on transcript NM_025144.4 (MANE Select); coding-DNA position 2153, G replaced by A.
Protein change: p.Arg718His; replaces arginine 718 with histidine.
Molecular consequence: missense variant.
Genome position (GRCh38, 1-based): chr4:112,431,700, G>A. VCF-style: chr4-112431700-G-A. GRCh37 (hg19) VCF-style: chr4-113352856-G-A.
Other names: c.2153G>A, p.Arg718His (NM_001102406.2); c.1919G>A, p.Arg640His (NM_001253884.2); c.2153G>A (NM_025144.3); short protein forms R640H, R718H.
Identifiers: ClinVar variation 2193840 (VCV002193840.7), dbSNP rs143368967, ClinGen allele CA3046866.